The following is an entry in ClinVar:

ClinVar aggregate classification (germline): Uncertain significance (1 of 4 stars; one submission).

Conditions:
Neurofibromatosis, type 1 (NF1). Also called: Peripheral type neurofibromatosis; VON RECKLINGHAUSEN DISEASE; NEUROFIBROMATOSIS, TYPE I, SOMATIC; Neurofibromatosis, type I. Identifiers: Orphanet 636, MedGen C0027831, MONDO:0018975, OMIM 162200. Disease mechanism: loss of function.

Submission:

Labcorp Genetics (formerly Invitae), Labcorp
Classification: Uncertain significance for Neurofibromatosis, type 1. Last evaluated: 2022-08-06. Review status: criteria provided, single submitter. Criteria: Invitae Variant Classification Sherloc (09022015). Collection method: clinical testing. Allele origin: germline.
Comment: Advanced modeling of protein sequence and biophysical properties (such as structural, functional, and spatial information, amino acid conservation, physicochemical variation, residue mobility, and thermodynamic stability) performed at Invitae indicates that this missense variant is expected to disrupt NF1 protein function. This sequence change replaces proline, which is neutral and non-polar, with leucine, which is neutral and non-polar, at codon 403 of the NF1 protein (p.Pro403Leu). This variant is not present in population databases (gnomAD no frequency). This variant has not been reported in the literature in individuals affected with NF1-related conditions. In summary, the available evidence is currently insufficient to determine the role of this variant in disease. Therefore, it has been classified as a Variant of Uncertain Significance.

NM_001042492.3(NF1):c.1208C>T (p.Pro403Leu)

Gene: NF1 (neurofibromin 1; plus strand). Cytogenetic location: 17q11.2.
Variant type: single nucleotide variant.
Coding change: c.1208C>T on transcript NM_001042492.3 (MANE Select); coding-DNA position 1208, C replaced by T.
Protein change: p.Pro403Leu; replaces proline 403 with leucine.
Molecular consequence: missense variant.
Genome position (GRCh38, 1-based): chr17:31,201,433, C>T. VCF-style: chr17-31201433-C-T. GRCh37 (hg19) VCF-style: chr17-29528451-C-T.
Other names: c.1208C>T, p.Pro403Leu (NM_000267.4, NM_001128147.3); short protein forms P403L.
Identifiers: ClinVar variation 1715376 (VCV001715376.5), dbSNP rs2143885964, ClinGen allele CA398997508.